The following is an entry in ClinVar:

NM_000163.5(GHR):c.335G>T (p.Cys112Phe)

Gene: GHR (growth hormone receptor; plus strand). Cytogenetic location: 5p12.
Variant type: single nucleotide variant.
Coding change: c.335G>T on transcript NM_000163.5 (MANE Select); coding-DNA position 335, G replaced by T.
Protein change: p.Cys112Phe; replaces cysteine 112 with phenylalanine.
Molecular consequence: missense variant.
Genome position (GRCh38, 1-based): chr5:42,694,985, G>T. VCF-style: chr5-42694985-G-T. GRCh37 (hg19) VCF-style: chr5-42695087-G-T.
Other names: c.356G>T, p.Cys119Phe (NM_001242399.2); c.335G>T, p.Cys112Phe (NM_001242400.2, NM_001242401.4, NM_001242402.2 and 5 more transcripts); c.269G>T, p.Cys90Phe (NM_001242460.2); short protein forms C119F, C90F, C112F.
Identifiers: ClinVar variation 2734726 (VCV002734726.4), dbSNP rs121909372, ClinGen allele CA359695141.

ClinVar aggregate classification (germline): Pathogenic. Review status: criteria provided, multiple submitters, no conflicts (2 of 4 stars). 2 submissions from 2 submitters: Pathogenic (2). Last evaluated 2024-12-18.

Conditions:
Laron-type isolated somatotropin defect. Also called: Laron Syndrome; Growth hormone binding protein deficiency or dysfunction; Growth hormone receptor deficiency or dysfunction; Laron dwarfism; Laron type pituitary dwarfism I; GROWTH HORMONE RECEPTOR DEFICIENCY. Identifiers: Orphanet 633, MedGen C0271568, MONDO:0009877, OMIM 262500.

Submissions (2):

Genomic Medicine Center of Excellence, King Faisal Specialist Hospital and Research Centre
Classification: Pathogenic for Laron-type isolated somatotropin defect. Last evaluated: 2024-12-18. Review status: criteria provided, single submitter. Criteria: ACMG Guidelines, 2015. Collection method: clinical testing. Allele origin: germline.

Labcorp Genetics (formerly Invitae), Labcorp
Classification: Pathogenic. Last evaluated: 2023-09-08. Review status: criteria provided, single submitter. Criteria: Invitae Variant Classification Sherloc (09022015). Collection method: clinical testing. Allele origin: germline.
Comment: For these reasons, this variant has been classified as Pathogenic. This variant is not present in population databases (gnomAD no frequency). This missense change has been observed in individuals with autosomal recessive Laron syndrome (PMID: 28743110). It has also been observed to segregate with disease in related individuals. Advanced modeling of protein sequence and biophysical properties (such as structural, functional, and spatial information, amino acid conservation, physicochemical variation, residue mobility, and thermodynamic stability) performed at Invitae indicates that this missense variant is expected to disrupt GHR protein function. This variant disrupts the p.Cys112 amino acid residue in GHR. Other variant(s) that disrupt this residue have been determined to be pathogenic (PMID: 17405847). This suggests that this residue is clinically significant, and that variants that disrupt this residue are likely to be disease-causing. This sequence change replaces cysteine, which is neutral and slightly polar, with phenylalanine, which is neutral and non-polar, at codon 112 of the GHR protein (p.Cys112Phe).

Literature cited by the submitters: PubMed 28743110 (cited by Labcorp Genetics (formerly Invitae), Labcorp); PubMed 17405847 (cited by Labcorp Genetics (formerly Invitae), Labcorp).